The following is an entry in ClinVar:

NM_031935.3(HMCN1):c.9604A>G (p.Ile3202Val)

Gene: HMCN1 (hemicentin 1; plus strand). Cytogenetic location: 1q31.1.
Variant type: single nucleotide variant.
Coding change: c.9604A>G on transcript NM_031935.3 (MANE Select); coding-DNA position 9604, A replaced by G.
Protein change: p.Ile3202Val; replaces isoleucine 3202 with valine.
Molecular consequence: missense variant.
Genome position (GRCh38, 1-based): chr1:186,088,632, A>G. VCF-style: chr1-186088632-A-G. GRCh37 (hg19) VCF-style: chr1-186057764-A-G.
Other names: short protein forms I3202V.
Identifiers: ClinVar variation 1717075 (VCV001717075.5), dbSNP rs2527902756, ClinGen allele CA343922196.

ClinVar aggregate classification (germline): Uncertain significance (1 of 4 stars; one submission).

Allele frequency attached by ClinVar (database versions not stated): gnomAD exomes below 0.00001.
gnomAD v4.1: 1 of 1,611,892 alleles (0.000062%); highest among the groups gnomAD compares: South Asian, 0.0011%; no homozygotes.

Submission:

Labcorp Genetics (formerly Invitae), Labcorp
Classification: Uncertain significance. Last evaluated: 2022-08-20. Review status: criteria provided, single submitter. Criteria: Invitae Variant Classification Sherloc (09022015). Collection method: clinical testing. Allele origin: germline.
Comment: Algorithms developed to predict the effect of missense changes on protein structure and function output the following: SIFT: "Tolerated"; PolyPhen-2: "Probably Damaging"; Align-GVGD: "Class C0". The valine amino acid residue is found in multiple mammalian species, which suggests that this missense change does not adversely affect protein function. In summary, the available evidence is currently insufficient to determine the role of this variant in disease. Therefore, it has been classified as a Variant of Uncertain Significance. This variant has not been reported in the literature in individuals affected with HMCN1-related conditions. This variant is not present in population databases (gnomAD no frequency). This sequence change replaces isoleucine, which is neutral and non-polar, with valine, which is neutral and non-polar, at codon 3202 of the HMCN1 protein (p.Ile3202Val).